The following is an entry in ClinVar:

ClinVar aggregate classification (germline): Uncertain significance (1 of 4 stars; one submission).

Conditions:
FG syndrome (FGS). Identifiers: MedGen C0220769, MONDO:0002010.

Submission:

Labcorp Genetics (formerly Invitae), Labcorp
Classification: Uncertain significance for FG syndrome. Last evaluated: 2021-05-18. Review status: criteria provided, single submitter. Criteria: Invitae Variant Classification Sherloc (09022015). Collection method: clinical testing. Allele origin: germline.
Comment: In summary, the available evidence is currently insufficient to determine the role of this variant in disease. Therefore, it has been classified as a Variant of Uncertain Significance. Algorithms developed to predict the effect of missense changes on protein structure and function are either unavailable or do not agree on the potential impact of this missense change (SIFT: "Deleterious"; PolyPhen-2: "Probably Damaging"; Align-GVGD: "Class C0"). This variant has not been reported in the literature in individuals with MED12-related conditions. This variant is not present in population databases (ExAC no frequency). This sequence change replaces proline with serine at codon 152 of the MED12 protein (p.Pro152Ser). The proline residue is highly conserved and there is a moderate physicochemical difference between proline and serine.

NM_005120.3(MED12):c.454C>T (p.Pro152Ser)

Gene: MED12 (mediator complex subunit 12; plus strand). Cytogenetic location: Xq13.1.
Variant type: single nucleotide variant.
Coding change: c.454C>T on transcript NM_005120.3 (MANE Select); coding-DNA position 454, C replaced by T.
Protein change: p.Pro152Ser; replaces proline 152 with serine.
Molecular consequence: missense variant.
Genome position (GRCh38, 1-based): chrX:71,120,071, C>T. VCF-style: chrX-71120071-C-T. GRCh37 (hg19) VCF-style: chrX-70339921-C-T.
Other names: short protein forms P152S.
Identifiers: ClinVar variation 1504394 (VCV001504394.8), dbSNP rs2147774389, ClinGen allele CA413499948.
Genomic context (GRCh38, chrX:71,120,071, plus strand): 5'-CAGGTCCCCATTTTCAGTAAGAAGGAAGAGGTGTTTGGGTACTTAGCCAAATACACAGTG[C>T]CTGTGATGCGGGCTGCCTGGCTCATTAAGATGACCTGTGCCTACTATGCAGCAATCTCTG-3'
Protein context (NP_005111.2, residues 142-162): VFGYLAKYTV[Pro152Ser]VMRAAWLIKM